The following is an entry in ClinVar:

ClinVar aggregate classification (germline): Conflicting classifications of pathogenicity. Review status: criteria provided, conflicting classifications (1 of 4 stars). 6 submissions from 6 submitters: Uncertain significance (3); Likely benign (1). 2 of the submissions do not count toward it. Last evaluated 2026-07-06.

Conditions:
Inborn genetic diseases. Identifiers: MedGen C0950123, MeSH D030342.
RYR1-related disorder. Also called: RYR1-related disorders; RYR1-related condition. Identifiers: MedGen CN239331.

Allele frequency attached by ClinVar (database versions not stated): gnomAD 0.00007 and 0.00008; TOPMed 0.00005; gnomAD exomes 0.00009.
gnomAD v4.1: 156 of 1,502,796 alleles (0.01%); highest among the groups gnomAD compares: Non-Finnish European, 0.013%; no homozygotes.

Submissions (6):

Ambry Genetics
Classification: Uncertain significance for Inborn genetic diseases. Last evaluated: 2026-07-06. Review status: criteria provided, single submitter. Criteria: Ambry Variant Classification Scheme 2023. Collection method: clinical testing. Allele origin: germline.
Comment: The p.A4397G variant (also known as c.13190C>G), located in coding exon 91 of the RYR1 gene, results from a C to G substitution at nucleotide position 13190. The alanine at codon 4397 is replaced by glycine, an amino acid with similar properties. This amino acid position is conserved. In addition, this alteration is predicted to be tolerated by in silico analysis. Based on the available evidence, the clinical significance of this variant remains unclear.

Labcorp Genetics (formerly Invitae), Labcorp
Classification: Uncertain significance for RYR1-related disorder. Last evaluated: 2026-01-11. Review status: criteria provided, single submitter. Criteria: Invitae Variant Classification Sherloc (09022015). Collection method: clinical testing. Allele origin: germline.
Comment: This sequence change replaces alanine, which is neutral and non-polar, with glycine, which is neutral and non-polar, at codon 4397 of the RYR1 protein (p.Ala4397Gly). This variant is present in population databases (no rsID available, gnomAD 0.02%). This variant has not been reported in the literature in individuals affected with RYR1-related conditions. ClinVar contains an entry for this variant (Variation ID: 379371). Invitae Evidence Modeling of protein sequence and biophysical properties (such as structural, functional, and spatial information, amino acid conservation, physicochemical variation, residue mobility, and thermodynamic stability) indicates that this missense variant is not expected to disrupt RYR1 protein function with a negative predictive value of 95%. In summary, the available evidence is currently insufficient to determine the role of this variant in disease. Therefore, it has been classified as a Variant of Uncertain Significance.

Revvity Omics, Revvity
Classification: Uncertain significance. Last evaluated: 2023-05-04. Review status: criteria provided, single submitter. Criteria: ACMG Guidelines, 2015. Collection method: clinical testing. Allele origin: germline.

GeneDx
Classification: Likely benign. Last evaluated: 2015-04-01. Review status: criteria provided, single submitter. Criteria: GeneDx Variant Classification (06012015). Collection method: clinical testing. Allele origin: germline. Affected: yes.
Comment: This variant is considered likely benign or benign based on one or more of the following criteria: it is a conservative change, it occurs at a poorly conserved position in the protein, it is predicted to be benign by multiple in silico algorithms, and/or has population frequency not consistent with disease.

Clinical Genetics DNA and cytogenetics Diagnostics Lab, Erasmus MC, Erasmus Medical Center
Classification: Likely benign. Review status: no assertion criteria provided. Collection method: clinical testing. Allele origin: germline. Affected: yes. Study: VKGL Data-share Consensus. Not counted in ClinVar's aggregate classification.

Laboratory of Diagnostic Genome Analysis, Leiden University Medical Center (LUMC)
Classification: Likely benign. Review status: no assertion criteria provided. Collection method: clinical testing. Allele origin: germline. Affected: yes. Study: VKGL Data-share Consensus. Not counted in ClinVar's aggregate classification.

NM_000540.3(RYR1):c.13190C>G (p.Ala4397Gly)

Gene: RYR1 (ryanodine receptor 1; plus strand). Cytogenetic location: 19q13.2.
Variant type: single nucleotide variant.
Coding change: c.13190C>G on transcript NM_000540.3 (MANE Select); coding-DNA position 13190, C replaced by G.
Protein change: p.Ala4397Gly; replaces alanine 4397 with glycine.
Molecular consequence: missense variant.
Genome position (GRCh38, 1-based): chr19:38,565,524, C>G. VCF-style: chr19-38565524-C-G. GRCh37 (hg19) VCF-style: chr19-39056164-C-G.
Other names: c.13175C>G, p.Ala4392Gly (NM_001042723.2); short protein forms A4397G, A4392G.
Identifiers: ClinVar variation 379371 (VCV000379371.14), dbSNP rs1057520588, ClinGen allele CA16607802.
Genomic context (GRCh38, chr19:38,565,524, plus strand): 5'-CCGAGCTCCTGGCAGGCATGCCCGACCCCACCAGCGACGAGGTGCACGGCGAGCAGCCGG[C>G]CGGGCCGGGCGGAGACGCAGACGGCGAGGGTGCCAGCGAGGGCGCTGGAGACGCCGCGGA-3'
Protein context (NP_000531.2, residues 4387-4407): TSDEVHGEQP[Ala4397Gly]GPGGDADGEG